The following is an entry in ClinVar:

NM_014727.3(KMT2B):c.277C>T (p.Arg93Trp)

Gene: KMT2B (lysine methyltransferase 2B; plus strand). Cytogenetic location: 19q13.12.
Variant type: single nucleotide variant.
Coding change: c.277C>T on transcript NM_014727.3 (MANE Select); coding-DNA position 277, C replaced by T.
Protein change: p.Arg93Trp; replaces arginine 93 with tryptophan.
Molecular consequence: missense variant.
Genome position (GRCh38, 1-based): chr19:35,718,295, C>T. VCF-style: chr19-35718295-C-T. GRCh37 (hg19) VCF-style: chr19-36209197-C-T.
Other names: short protein forms R93W.
Identifiers: ClinVar variation 3706098 (VCV003706098.4).

ClinVar aggregate classification (germline): Uncertain significance. Review status: criteria provided, multiple submitters, no conflicts (2 of 4 stars). 2 submissions from 2 submitters: Uncertain significance (2). Last evaluated 2024-12-24.

Submissions (2):

Dasa
Classification: Uncertain significance. Last evaluated: 2024-12-24. Review status: criteria provided, single submitter. Criteria: DASA Assertion Criteria. Collection method: clinical testing. Allele origin: germline.
Comment: NM_014727.3(KMT2B):c.277C>T (p.Arg93Trp) is a missense variant that results in the substitution of arginine with tryptophan. This variant is rare in population databases. Computational prediction algorithms are consistent with a benign effect. The currently available literature and clinical evidence are not sufficient to establish a definitive association between this variant and the reported condition. Therefore, this variant is classified as a variant of uncertain significance.

Labcorp Genetics (formerly Invitae), Labcorp
Classification: Uncertain significance. Last evaluated: 2024-11-27. Review status: criteria provided, single submitter. Criteria: Invitae Variant Classification Sherloc (09022015). Collection method: clinical testing. Allele origin: germline.
Comment: This sequence change replaces arginine, which is basic and polar, with tryptophan, which is neutral and slightly polar, at codon 93 of the KMT2B protein (p.Arg93Trp). This variant is not present in population databases (gnomAD no frequency). This variant has not been reported in the literature in individuals affected with KMT2B-related conditions. Invitae Evidence Modeling of protein sequence and biophysical properties (such as structural, functional, and spatial information, amino acid conservation, physicochemical variation, residue mobility, and thermodynamic stability) indicates that this missense variant is not expected to disrupt KMT2B protein function with a negative predictive value of 95%. In summary, the available evidence is currently insufficient to determine the role of this variant in disease. Therefore, it has been classified as a Variant of Uncertain Significance.